The following is an entry in ClinVar:

ClinVar aggregate classification (germline): Likely benign. Review status: criteria provided, multiple submitters, no conflicts (2 of 4 stars). 2 submissions from 2 submitters: Likely benign (2). Last evaluated 2025-12-10.

Conditions:
KPTN-related disorder. Also called: KPTN-related condition. Identifiers: MedGen CN381532.
Macrocephaly-developmental delay syndrome (MRT41). Also called: INTELLECTUAL DEVELOPMENTAL DISORDER, AUTOSOMAL RECESSIVE 41. Identifiers: Orphanet 397612, MedGen C3810225, MONDO:0014289, OMIM 615637.

Allele frequency attached by ClinVar (database versions not stated): gnomAD exomes 0.00020; gnomAD 0.00032 and 0.00034; TOPMed 0.00034.
gnomAD v4.1: 188 of 1,612,344 alleles (0.012%); highest among the groups gnomAD compares: Admixed American, 0.13%; no homozygotes.

Submissions (2):

Labcorp Genetics (formerly Invitae), Labcorp
Classification: Likely benign for Macrocephaly-developmental delay syndrome. Last evaluated: 2025-12-10. Review status: criteria provided, single submitter. Criteria: Invitae Variant Classification Sherloc (09022015). Collection method: clinical testing. Allele origin: germline.

PreventionGenetics, part of Exact Sciences
Classification: Likely benign for KPTN-related condition. Last evaluated: 2025-01-07. Review status: criteria provided, single submitter. Criteria: ACMG Guidelines, 2015. Collection method: clinical testing. Allele origin: germline.
Comment: This variant is classified as likely benign based on ACMG/AMP sequence variant interpretation guidelines (Richards et al. 2015 PMID: 25741868, with internal and published modifications).

NM_007059.4(KPTN):c.1305C>T (p.Ala435=)

Gene: KPTN (kaptin, actin binding protein; minus strand). Cytogenetic location: 19q13.32.
Variant type: single nucleotide variant.
Coding change: c.1305C>T on transcript NM_007059.4 (MANE Select); coding-DNA position 1305, C replaced by T.
Protein change: p.Ala435=; no amino-acid change (alanine 435 retained).
Molecular consequence: synonymous variant. On other transcripts: non-coding transcript variant (1).
Genome position (GRCh38, 1-based): chr19:47,475,422, G>A on the plus strand (C>T on the coding strand, the complement: KPTN is on the minus strand). VCF-style: chr19-47475422-G-A. GRCh37 (hg19) VCF-style: chr19-47978679-G-A.
Other names: c.1137C>T, p.Ala379= (NM_001291296.2).
Identifiers: ClinVar variation 715187 (VCV000715187.11), dbSNP rs759041364, ClinGen allele CA9540143.